The following is an entry in ClinVar:

ClinVar aggregate classification (germline): Benign. Review status: criteria provided, multiple submitters, no conflicts (2 of 4 stars). 4 submissions from 3 submitters: Benign (4). Last evaluated 2018-01-13.

Conditions:
Jervell and Lange-Nielsen syndrome 2 (JLNS2). Identifiers: Orphanet 768, Orphanet 90647, MedGen C2676723, MONDO:0012871, OMIM 612347.
Long QT syndrome 5 (LQT5). Identifiers: Orphanet 101016, Orphanet 768, MedGen C1867904, MONDO:0013372, OMIM 613695.

Allele frequency attached by ClinVar (database versions not stated): TOPMed 0.02678; 1000 Genomes Project 0.41214; gnomAD 0.44827.

Submissions (4):

Illumina Laboratory Services, Illumina
Classification: Benign for Long QT syndrome 5. Last evaluated: 2018-01-13. Review status: criteria provided, single submitter. Criteria: ICSL Variant Classification Criteria 13 December 2019. Collection method: clinical testing. Allele origin: germline.
Comment: This variant was observed in the ICSL laboratory as part of a predisposition screen in an ostensibly healthy population. It had not been previously curated by ICSL or reported in the Human Gene Mutation Database (HGMD: prior to June 1st, 2018), and was therefore a candidate for classification through an automated scoring system. Utilizing variant allele frequency, disease prevalence and penetrance estimates, and inheritance mode, an automated score was calculated to assess if this variant is too frequent to cause the disease. Based on the score and internal cut-off values, a variant classified as benign is not then subjected to further curation. The score for this variant resulted in a classification of benign for this disease.

Illumina Laboratory Services, Illumina
Classification: Benign for Jervell and Lange-Nielsen syndrome 2. Last evaluated: 2018-01-13. Review status: criteria provided, single submitter. Criteria: ICSL Variant Classification Criteria 13 December 2019. Collection method: clinical testing. Allele origin: germline.
Comment: the same text as in the submission from Illumina Laboratory Services, Illumina above.

GeneDx
Classification: Benign. Last evaluated: 2015-03-03. Review status: criteria provided, single submitter. Criteria: GeneDx Variant Classification Process June 2021. Collection method: clinical testing. Allele origin: germline. Affected: yes.

Breakthrough Genomics
Classification: Benign. Review status: criteria provided, single submitter. Criteria: ACMG Guidelines, 2015. Collection method: not provided. Allele origin: germline. Inheritance: Autosomal recessive inheritance. Affected: yes.

NM_000219.6(KCNE1):c.*124A>G

Gene: KCNE1 (potassium voltage-gated channel subfamily E regulatory subunit 1; minus strand). Cytogenetic location: 21q22.12.
Variant type: single nucleotide variant.
Coding change: c.*124A>G on transcript NM_000219.6 (MANE Select); 124 bases downstream of the stop codon, A replaced by G.
Molecular consequence: 3 prime UTR variant.
Genome position (GRCh38, 1-based): chr21:34,449,121, T>C on the plus strand (A>G on the coding strand, the complement: KCNE1 is on the minus strand). VCF-style: chr21-34449121-T-C. GRCh37 (hg19) VCF-style: chr21-35821419-T-C.
Other names: c.*124A>G (NM_001127668.4, NM_001127669.4, NM_001127670.4 and 4 more transcripts).
Identifiers: ClinVar variation 339769 (VCV000339769.9), dbSNP rs2070357, ClinGen allele CA10650394.